The following is an entry in ClinVar:

NM_001145809.2(MYH14):c.1919G>C (p.Arg640Pro)

Gene: MYH14 (myosin heavy chain 14; plus strand). Cytogenetic location: 19q13.33.
Variant type: single nucleotide variant.
Coding change: c.1919G>C on transcript NM_001145809.2 (MANE Select); coding-DNA position 1919, G replaced by C.
Protein change: p.Arg640Pro; replaces arginine 640 with proline.
Molecular consequence: missense variant.
Genome position (GRCh38, 1-based): chr19:50,252,727, G>C. VCF-style: chr19-50252727-G-C. GRCh37 (hg19) VCF-style: chr19-50755984-G-C.
Other names: c.1919G>C, p.Arg640Pro (NM_001077186.2); c.1895G>C, p.Arg632Pro (NM_024729.4); short protein forms R640P, R632P.
Identifiers: ClinVar variation 3674758 (VCV003674758.2).

ClinVar aggregate classification (germline): Uncertain significance (1 of 4 stars; one submission).

gnomAD v4.1: 7 of 1,595,570 alleles (0.00044%); highest among the groups gnomAD compares: Non-Finnish European, 0.0006%; no homozygotes.

Submission:

Labcorp Genetics (formerly Invitae), Labcorp
Classification: Uncertain significance. Last evaluated: 2024-02-04. Review status: criteria provided, single submitter. Criteria: Invitae Variant Classification Sherloc (09022015). Collection method: clinical testing. Allele origin: germline.
Comment: This sequence change replaces arginine, which is basic and polar, with proline, which is neutral and non-polar, at codon 632 of the MYH14 protein (p.Arg632Pro). This variant is present in population databases (rs199696801, gnomAD 0.001%). This variant has not been reported in the literature in individuals affected with MYH14-related conditions. Advanced modeling of protein sequence and biophysical properties (such as structural, functional, and spatial information, amino acid conservation, physicochemical variation, residue mobility, and thermodynamic stability) performed at Invitae indicates that this missense variant is not expected to disrupt MYH14 protein function with a negative predictive value of 80%. In summary, the available evidence is currently insufficient to determine the role of this variant in disease. Therefore, it has been classified as a Variant of Uncertain Significance.